The following is an entry in ClinVar:

NM_177438.3(DICER1):c.2776G>C (p.Asp926His)

Gene: DICER1 (dicer 1, ribonuclease III; minus strand). Cytogenetic location: 14q32.13.
Variant type: single nucleotide variant.
Coding change: c.2776G>C on transcript NM_177438.3 (MANE Select); coding-DNA position 2776, G replaced by C.
Protein change: p.Asp926His; replaces aspartic acid 926 with histidine.
Molecular consequence: missense variant.
Genome position (GRCh38, 1-based): chr14:95,107,636, C>G on the plus strand (G>C on the coding strand, the complement: DICER1 is on the minus strand). VCF-style: chr14-95107636-C-G. GRCh37 (hg19) VCF-style: chr14-95573973-C-G.
Other names: c.2776G>C, p.Asp926His (NM_001195573.1, NM_001271282.3, NM_001291628.2 and 1 more transcripts); short protein forms D926H.
Identifiers: ClinVar variation 412155 (VCV000412155.19), dbSNP rs1060503645, ClinGen allele CA16614224.

ClinVar aggregate classification (germline): Uncertain significance. Review status: criteria provided, multiple submitters, no conflicts (2 of 4 stars). 3 submissions from 3 submitters: Uncertain significance (3). Last evaluated 2025-02-05.

Conditions:
Hereditary cancer-predisposing syndrome. Also called: Hereditary neoplastic syndrome; Neoplastic Syndromes, Hereditary; Tumor predisposition; Hereditary Cancer Syndrome. Identifiers: Orphanet 140162, MedGen C0027672, MeSH D009386, MONDO:0015356.
DICER1-related tumor predisposition. Also called: DICER1-related pleuropulmonary blastoma cancer predisposition syndrome; DICER1 syndrome. Identifiers: Orphanet 284343, MedGen C3839822, MONDO:0100216.

Allele frequency attached by ClinVar (database versions not stated): TOPMed 0.00001.

Submissions (3):

Labcorp Genetics (formerly Invitae), Labcorp
Classification: Uncertain significance for DICER1-related tumor predisposition. Last evaluated: 2025-02-05. Review status: criteria provided, single submitter. Criteria: Invitae Variant Classification Sherloc (09022015). Collection method: clinical testing. Allele origin: germline.
Comment: This sequence change replaces aspartic acid, which is acidic and polar, with histidine, which is basic and polar, at codon 926 of the DICER1 protein (p.Asp926His). This variant is not present in population databases (gnomAD no frequency). This variant has not been reported in the literature in individuals affected with DICER1-related conditions. ClinVar contains an entry for this variant (Variation ID: 412155). Invitae Evidence Modeling of protein sequence and biophysical properties (such as structural, functional, and spatial information, amino acid conservation, physicochemical variation, residue mobility, and thermodynamic stability) indicates that this missense variant is not expected to disrupt DICER1 protein function with a negative predictive value of 95%. In summary, the available evidence is currently insufficient to determine the role of this variant in disease. Therefore, it has been classified as a Variant of Uncertain Significance.

Ambry Genetics
Classification: Uncertain significance for Hereditary cancer-predisposing syndrome. Last evaluated: 2024-09-09. Review status: criteria provided, single submitter. Criteria: Ambry Variant Classification Scheme 2023. Collection method: clinical testing. Allele origin: germline.
Comment: The p.D926H variant (also known as c.2776G>C), located in coding exon 16 of the DICER1 gene, results from a G to C substitution at nucleotide position 2776. The aspartic acid at codon 926 is replaced by histidine, an amino acid with similar properties. This amino acid position is conserved. In addition, the in silico prediction for this alteration is inconclusive. Since supporting evidence is limited at this time, the clinical significance of this alteration remains unclear.

ARUP Laboratories, Molecular Genetics and Genomics, ARUP Laboratories
Classification: Uncertain significance. Last evaluated: 2019-03-07. Review status: criteria provided, single submitter. Criteria: ARUP Molecular Germline Variant Investigation Process. Collection method: clinical testing. Allele origin: germline.
Comment: The DICER1 c.2776G>C; p.Asp926His variant (rs1060503645), to our knowledge, is not reported in the medical literature but is reported as having uncertain significance in ClinVar (Variation ID: 412155). This variant is absent from general population databases (Exome Variant Server, Genome Aggregation Database), indicating it is not a common polymorphism. The aspartic acid at codon 926 is highly conserved, but computational analyses (SIFT: Tolerated, PolyPhen-2: Probably Damaging) predict conflicting effects of this variant on protein structure/function. Due to limited information, the clinical significance of this variant is uncertain at this time.